The following is an entry in ClinVar:

NM_004655.4(AXIN2):c.131A>G (p.Gln44Arg)

Gene: AXIN2 (axin 2; minus strand). Cytogenetic location: 17q24.1.
Variant type: single nucleotide variant.
Coding change: c.131A>G on transcript NM_004655.4 (MANE Select); coding-DNA position 131, A replaced by G.
Protein change: p.Gln44Arg; replaces glutamine 44 with arginine.
Molecular consequence: missense variant.
Genome position (GRCh38, 1-based): chr17:65,558,490, T>C on the plus strand (A>G on the coding strand, the complement: AXIN2 is on the minus strand). VCF-style: chr17-65558490-T-C. GRCh37 (hg19) VCF-style: chr17-63554608-T-C.
Other names: c.131A>G, p.Gln44Arg (NM_001363813.1); short protein forms Q44R.
Identifiers: ClinVar variation 2002288 (VCV002002288.5), dbSNP rs1060502131, ClinGen allele CA400682095.

ClinVar aggregate classification (germline): Conflicting classifications of pathogenicity. Review status: criteria provided, conflicting classifications (1 of 4 stars). 2 submissions from 2 submitters: Uncertain significance (1); Likely benign (1). Last evaluated 2024-05-29.

Conditions:
Hereditary cancer-predisposing syndrome. Also called: Hereditary neoplastic syndrome; Hereditary Cancer Syndrome; Tumor predisposition; Neoplastic Syndromes, Hereditary. Identifiers: Orphanet 140162, MedGen C0027672, MeSH D009386, MONDO:0015356.
Oligodontia-cancer predisposition syndrome. Also called: TOOTH AGENESIS-COLORECTAL CANCER SYNDROME. Identifiers: Orphanet 300576, MedGen C1837750, MONDO:0012075, OMIM 608615. Disease mechanism: loss of function.

Submissions (2):

Ambry Genetics
Classification: Likely benign for Hereditary cancer-predisposing syndrome. Last evaluated: 2024-05-29. Review status: criteria provided, single submitter. Criteria: Ambry Variant Classification Scheme 2023. Collection method: clinical testing. Allele origin: germline.

Labcorp Genetics (formerly Invitae), Labcorp
Classification: Uncertain significance for Oligodontia-cancer predisposition syndrome. Last evaluated: 2022-07-15. Review status: criteria provided, single submitter. Criteria: Invitae Variant Classification Sherloc (09022015). Collection method: clinical testing. Allele origin: germline.
Comment: This sequence change replaces glutamine, which is neutral and polar, with arginine, which is basic and polar, at codon 44 of the AXIN2 protein (p.Gln44Arg). This variant is not present in population databases (gnomAD no frequency). This variant has not been reported in the literature in individuals affected with AXIN2-related conditions. Algorithms developed to predict the effect of missense changes on protein structure and function (SIFT, PolyPhen-2, Align-GVGD) all suggest that this variant is likely to be tolerated. In summary, the available evidence is currently insufficient to determine the role of this variant in disease. Therefore, it has been classified as a Variant of Uncertain Significance.